The following is an entry in ClinVar:

ClinVar aggregate classification (germline): Uncertain significance (1 of 4 stars; one submission).

Conditions:
Glycogen storage disease, type II (IOPD). Also called: Pompe Disease; CARDIOMEGALIA GLYCOGENICA DIFFUSA; GLYCOGENOSIS, GENERALIZED, CARDIAC FORM; GSD II; POMPE DISEASE, INFANTILE-ONSET; GLYCOGEN STORAGE DISEASE II, INFANTILE-ONSET. Identifiers: Orphanet 365, MedGen C0017921, MONDO:0009290, OMIM 232300.

Submission:

Genomenon, Inc
Classification: Uncertain significance for Glycogen storage disease, type II. Last evaluated: 2026-07-01. Review status: criteria provided, single submitter. Criteria: Genomenon Sequence Variant Interpretation Standards - Updated. Collection method: curation. Allele origin: germline.
Comment: GAA c.956-6T>C is an intronic variant located in the acceptor splice region of intron 5. This variant has been reported in the compound heterozygous and/or homozygous state in an individual without a confirmed diagnosis of Pompe disease (PMID:38586167). It is absent or not present at a significant frequency in gnomAD. In conclusion, we classify GAA c.956-6T>C as a variant of uncertain significance.

Literature cited by the submitters: PubMed 38586167.

NM_000152.5(GAA):c.956-6T>C

Gene: GAA (alpha glucosidase; plus strand). Cytogenetic location: 17q25.3.
Variant type: single nucleotide variant.
Coding change: c.956-6T>C on transcript NM_000152.5 (MANE Select); 6 bases into the intron before coding-DNA position 956, T replaced by C.
Molecular consequence: intron variant.
Genome position (GRCh38, 1-based): chr17:80,108,284, T>C. VCF-style: chr17-80108284-T-C. GRCh37 (hg19) VCF-style: chr17-78082083-T-C.
Other names: c.956-6T>C (NM_001406741.1, NM_001406742.1, NM_001079803.3 and 1 more transcripts).
Identifiers: ClinVar variation 4876429 (VCV004876429.1).